The following is an entry in ClinVar:

ClinVar aggregate classification (germline): Uncertain significance (1 of 4 stars; one submission).

Conditions:
Gorlin syndrome. Also called: Basal cell nevus syndrome; Nevoid Basal Cell Carcinoma Syndrome. Identifiers: Orphanet 377, MedGen C0004779, MONDO:0007187.
Medulloblastoma (MDB). Also called: Medulloblastoma, somatic; MEDULLOBLASTOMA PREDISPOSITION SYNDROME. Identifiers: Orphanet 616, MedGen C0025149, MeSH D008527, MONDO:0007959, OMIM 155255, HP:0002885.

Submission:

Labcorp Genetics (formerly Invitae), Labcorp
Classification: Uncertain significance for Gorlin syndrome; Medulloblastoma. Last evaluated: 2024-01-30. Review status: criteria provided, single submitter. Criteria: Invitae Variant Classification Sherloc (09022015). Collection method: clinical testing. Allele origin: unknown.
Comment: This variant results in a copy number gain of the genomic region encompassing exon(s) 1-2 of the SUFU gene. This region includes the initiator codon of the gene. This copy number gain extends beyond the assayed region for this gene and therefore may encompass additional genes. As the precise location of this event is unknown, it may be in tandem or it may be located elsewhere in the genome. This variant has not been reported in the literature in individuals affected with SUFU-related conditions. Experimental studies and prediction algorithms are not available or were not evaluated, and the functional significance of this variant is currently unknown. In summary, the available evidence is currently insufficient to determine the role of this variant in disease. Therefore, it has been classified as a Variant of Uncertain Significance.

NC_000010.10:g.(?_104263910)_(104269080_?)dup

Gene: SUFU (SUFU negative regulator of hedgehog signaling; plus strand). Cytogenetic location: 10q24.32.
Variant type: Duplication.
Identifiers: ClinVar variation 3244801 (VCV003244801.1).